The following is an entry in ClinVar:

NM_174936.4(PCSK9):c.157_158delinsCT (p.Ala53Leu)

Gene: PCSK9 (proprotein convertase subtilisin/kexin type 9; plus strand). Cytogenetic location: 1p32.3.
Variant type: Indel.
Coding change: c.157_158delinsCT on transcript NM_174936.4 (MANE Select); coding-DNA positions 157 to 158, GC replaced by CT.
Protein change: p.Ala53Leu; replaces alanine 53 with leucine.
Molecular consequence: missense variant. On other transcripts: 5 prime UTR variant (1), non-coding transcript variant (8).
Genome position (GRCh38, 1-based): chr1:55,039,994-55,039,995, GC replaced by CT. VCF-style: chr1-55039994-GC-CT. GRCh37 (hg19) VCF-style: chr1-55505667-GC-CT.
Other names: c.157_158delinsCT, p.Ala53Leu (NM_001407240.1, NM_001407241.1, NM_001407242.1 and 4 more transcripts); c.-578_-577delinsCT (NM_001407246.1); short protein forms A53L.
Identifiers: ClinVar variation 4756240 (VCV004756240.1).
Genomic context (GRCh38, chr1:55,039,994, plus strand): 5'-GACGAGGACGGCGACTACGAGGAGCTGGTGCTAGCCTTGCGTTCCGAGGAGGACGGCCTG[GC>CT]CGAAGCACCCGAGCACGGAACCACAGCCACCTTCCACCGCTGCGCCAAGGTGCGGGTGTA-3'
Protein context (NP_777596.2, residues 43-63): LALRSEEDGL[Ala53Leu]EAPEHGTTAT

ClinVar aggregate classification (germline): Uncertain significance (1 of 4 stars; one submission).

Conditions:
Familial hypercholesterolemia. Also called: Familial hypercholesterolaemia. Identifiers: MedGen C0020445, MONDO:0005439.

Submission:

Color Diagnostics, LLC DBA Color Health
Classification: Uncertain significance for Familial hypercholesterolemia. Last evaluated: 2025-08-30. Review status: criteria provided, single submitter. Criteria: ACMG Guidelines, 2015. Collection method: clinical testing. Allele origin: germline.
Comment: This missense variant replaces alanine with leucine at codon 53 of the PCSK9 protein. To our knowledge, functional studies have not been reported for this variant. This variant has not been reported in individuals affected with PCSK9-related disorders in the literature. This variant has not been identified in the general population by the Genome Aggregation Database (gnomAD). The available evidence is insufficient to determine the role of this variant in disease conclusively. Therefore, this variant is classified as a Variant of Uncertain Significance.